The following is an entry in ClinVar:

ClinVar aggregate classification (germline): Pathogenic/Likely pathogenic. Review status: criteria provided, multiple submitters, no conflicts (2 of 4 stars). 5 submissions from 5 submitters: Pathogenic (3); Likely pathogenic (1). 1 of the submissions does not count toward it. Last evaluated 2024-03-26.

Conditions:
Xeroderma pigmentosum (XP). Identifiers: Orphanet 910, MedGen C0043346, MONDO:0019600.
Cerebrooculofacioskeletal syndrome 3 (COFS3). Identifiers: MedGen C1851443, MONDO:0014696, OMIM 616570.

Allele frequency attached by ClinVar (database versions not stated): gnomAD exomes below 0.00001; ExAC 0.00001.

Submissions (5):

Genomic Medicine Center of Excellence, King Faisal Specialist Hospital and Research Centre
Classification: Pathogenic. Last evaluated: 2024-03-26. Review status: criteria provided, single submitter. Criteria: ACMG Guidelines, 2015. Collection method: clinical testing. Allele origin: germline.

AiLife Diagnostics
Classification: Pathogenic. Last evaluated: 2022-03-16. Review status: criteria provided, single submitter. Criteria: ACMG Guidelines, 2015. Collection method: clinical testing. Allele origin: germline. Affected: yes. Observed: 1 variant allele.

Women's Health and Genetics/Laboratory Corporation of America, LabCorp
Classification: Likely pathogenic for Xeroderma pigmentosum. Last evaluated: 2021-09-20. Review status: criteria provided, single submitter. Criteria: LabCorp Variant Classification Summary - May 2015. Collection method: clinical testing. Allele origin: germline.
Comment: Variant summary: ERCC5 c.2427delT (p.Asp809GlufsX24) results in a premature termination codon, predicted to cause a truncation of the encoded protein or absence of the protein due to nonsense mediated decay, which are commonly known mechanisms for disease. Truncations downstream of this position have been classified as pathogenic by our laboratory. The variant allele was found at a frequency of 4e-06 in 251414 control chromosomes. c.2427delT has been reported in the literature in one individual with severe fetal presentation (Monies_2019). These data indicate that the variant may be associated with disease. To our knowledge, no experimental evidence demonstrating an impact on protein function has been reported. One clinical diagnostic laboratory has submitted clinical-significance assessments for this variant to ClinVar after 2014 without evidence for independent evaluation and classified the variant as likely pathogenic. Based on the evidence outlined above, the variant was classified as likely pathogenic.

Pathology and Clinical Laboratory Medicine, King Fahad Medical City
Classification: Pathogenic for Cerebrooculofacioskeletal syndrome 3. Review status: criteria provided, single submitter. Criteria: ACMG Guidelines, 2015. Collection method: clinical testing. Allele origin: germline. Affected: yes. Observed: 2 variant alleles.

Biochemical Molecular Genetic Laboratory, King Abdulaziz Medical City
Classification: Likely pathogenic for Cerebrooculofacioskeletal syndrome 3. Last evaluated: 2019-09-26. Review status: no assertion criteria provided. Collection method: clinical testing. Allele origin: germline. Affected: yes. Not counted in ClinVar's aggregate classification.

Literature cited by the submitters: PubMed 31130284 (cited by AiLife Diagnostics and Women's Health and Genetics/Laboratory Corporation of America, LabCorp).

NM_000123.4(ERCC5):c.2427del (p.Asp809fs)

Genes: BIVM-ERCC5 (BIVM-ERCC5 readthrough; plus strand), ERCC5 (ERCC excision repair 5, endonuclease; plus strand), LOC126861834 (BRD4-independent group 4 enhancer GRCh37_chr13:103518038-103519237; plus strand). Cytogenetic location: 13q33.1.
Variant type: Deletion.
Coding change: c.2427del on transcript NM_000123.4 (MANE Select); coding-DNA position 2427, one base deleted (T; older notation c.2427delT).
Protein change: p.Asp809fs; shifts the reading frame from aspartic acid 809.
Molecular consequence: frameshift variant.
Genome position (GRCh38, 1-based): chr13:102,866,739, T deleted. VCF-style (leftmost placement, unchanged base first): chr13-102866738-AT-A. GRCh37 (hg19) VCF-style: chr13-103519088-AT-A.
Other names: c.3789del, p.Asp1263fs (NM_001204425.2); c.2427delT, p.Asp809Glufs (NM_000123.3); short protein forms D1263fs, D809fs.
Identifiers: ClinVar variation 800881 (VCV000800881.7), dbSNP rs777455688, ClinGen allele CA7041638.